The following is an entry in ClinVar:

NC_000009.11:g.(?_97863979)_(97934439_?)del

Gene: FANCC (FA complementation group C; minus strand). Cytogenetic location: 9q22.32.
Variant type: Deletion.
Identifiers: ClinVar variation 1457889 (VCV001457889.6).

ClinVar aggregate classification (germline): Pathogenic (1 of 4 stars; one submission).

Conditions:
Fanconi anemia (FA). Also called: Fanconi's anemia. Identifiers: Orphanet 84, MedGen C0015625, MeSH D005199, MONDO:0019391.

Submission:

Labcorp Genetics (formerly Invitae), Labcorp
Classification: Pathogenic for Fanconi anemia. Last evaluated: 2021-02-20. Review status: criteria provided, single submitter. Criteria: Invitae Variant Classification Sherloc (09022015). Collection method: clinical testing. Allele origin: germline.
Comment: For these reasons, this variant has been classified as Pathogenic. This variant disrupts the C-terminus of the FANCC protein. Other variant(s) that disrupt this region (p.Arg548*) have been determined to be pathogenic (PMID: 8103176, 8882868, 24584348). This suggests that variants that disrupt this region of the protein are likely to be causative of disease. This variant has not been reported in the literature in individuals with FANCC-related conditions. This variant is a gross deletion of the genomic region encompassing exon(s) 5-15 of the FANCC gene. The 5' boundary is likely confined to intron 4. The 3' end of this event is unknown as it extends through the termination codon beyond the assayed region for this gene and may encompass additional genes. While this deletion is not anticipated to lead to nonsense mediated decay, it is expected to alter mRNA translation or result in a truncated protein product.

Literature cited by the submitters: PubMed 8103176; PubMed 8882868; PubMed 24584348.